The following is an entry in ClinVar:

NM_006939.4(SOS2):c.15G>T (p.Pro5=)

Genes: SOS2 (SOS Ras/Rho guanine nucleotide exchange factor 2; minus strand), LOC130055588 (ATAC-STARR-seq lymphoblastoid silent region 5718; plus strand). Cytogenetic location: 14q21.3.
Variant type: single nucleotide variant.
Coding change: c.15G>T on transcript NM_006939.4 (MANE Select); coding-DNA position 15, G replaced by T.
Protein change: p.Pro5=; no amino-acid change (proline 5 retained).
Molecular consequence: synonymous variant.
Genome position (GRCh38, 1-based): chr14:50,231,269, C>A on the plus strand (G>T on the coding strand, the complement: SOS2 is on the minus strand). VCF-style: chr14-50231269-C-A. GRCh37 (hg19) VCF-style: chr14-50697987-C-A.
Other names: c.15G>T, p.Pro5= (NM_001411020.1).
Identifiers: ClinVar variation 3629894 (VCV003629894.1).

ClinVar aggregate classification (germline): Likely benign (1 of 4 stars; one submission).

gnomAD v4.1: 1 of 1,473,208 alleles (0.000068%); highest among the groups gnomAD compares: Non-Finnish European, 0.000091%; no homozygotes.

Submission:

Women's Health and Genetics/Laboratory Corporation of America, LabCorp
Classification: Likely benign. Last evaluated: 2024-11-01. Review status: criteria provided, single submitter. Criteria: LabCorp Variant Classification Summary - May 2015. Collection method: clinical testing. Allele origin: germline.
Comment: Variant summary: SOS2 c.15G>T alters a non-conserved nucleotide resulting in a synonymous change. Consensus agreement among computation tools predict no significant impact on normal splicing. However, these predictions have yet to be confirmed by functional studies. The frequency data for this variant in gnomAD is considered unreliable, as metrics indicate poor data quality at this position. To our knowledge, no occurrence of c.15G>T in individuals affected with Noonan Syndrome and no experimental evidence demonstrating its impact on protein function have been reported. No submitters have cited clinical-significance assessments for this variant to ClinVar. Based on the evidence outlined above, the variant was classified as likely benign.